The following is an entry in ClinVar:

NM_020988.3(GNAO1):c.723+3985C>G

Gene: GNAO1 (G protein subunit alpha o1; plus strand). Cytogenetic location: 16q13.
Variant type: single nucleotide variant.
Coding change: c.723+3985C>G on transcript NM_020988.3 (MANE Select); 3985 bases into the intron after coding-DNA position 723, C replaced by G.
Molecular consequence: intron variant. On other transcripts: missense variant (1).
Genome position (GRCh38, 1-based): chr16:56,340,845, C>G. VCF-style: chr16-56340845-C-G. GRCh37 (hg19) VCF-style: chr16-56374757-C-G.
Other names: c.735C>G, p.His245Gln (NM_138736.3); short protein forms H245Q.
Identifiers: ClinVar variation 2219142 (VCV002219142.5), dbSNP rs200466903, ClinGen allele CA8063870.
Genomic context (GRCh38, chr16:56,340,845, plus strand): 5'-AGGGCCCTGGATGCTGCCGCCCCTCACTCACCCCTCCACTCTGTTGCAGAACCGCATGCA[C>G]GAATCCCTGAAGCTTTTTGACAGCATCTGCAACAACAAATGGTTCACAGACACGTCCATC-3'

ClinVar aggregate classification (germline): Likely benign. Review status: criteria provided, multiple submitters, no conflicts (2 of 4 stars). 3 submissions from 3 submitters: Likely benign (2). 1 of the submissions does not count toward it. Last evaluated 2023-07-31.

Conditions:
Inborn genetic diseases. Identifiers: MedGen C0950123, MeSH D030342.
GNAO1-related disorder. Also called: GNAO1-Related Disorders; GNAO1-related condition. Identifiers: MedGen CN381308.

Allele frequency attached by ClinVar (database versions not stated): ESP Exome Variant Server 0.00015.
gnomAD v4.1: 225 of 1,613,780 alleles (0.014%); highest among the groups gnomAD compares: South Asian, 0.034%; no homozygotes.

Submissions (3):

Blueprint Genetics
Classification: Likely benign. Last evaluated: 2023-07-31. Review status: criteria provided, single submitter. Criteria: ACMG Guidelines, 2015. Collection method: clinical testing. Allele origin: germline.

Ambry Genetics
Classification: Likely benign for Inborn genetic diseases. Last evaluated: 2021-06-11. Review status: criteria provided, single submitter. Criteria: Ambry Variant Classification Scheme 2023. Collection method: clinical testing. Allele origin: germline.

PreventionGenetics, part of Exact Sciences
Classification: Benign for GNAO1-related condition. Last evaluated: 2019-08-19. Review status: no assertion criteria provided. Collection method: clinical testing. Allele origin: germline. Not counted in ClinVar's aggregate classification.
Comment: This variant is classified as benign based on ACMG/AMP sequence variant interpretation guidelines (Richards et al. 2015 PMID: 25741868, with internal and published modifications).